The following is an entry in ClinVar:

NM_002474.3(MYH11):c.3427G>A (p.Asp1143Asn)

Gene: MYH11 (myosin heavy chain 11; minus strand). Cytogenetic location: 16p13.11.
Variant type: single nucleotide variant.
Coding change: c.3427G>A on transcript NM_002474.3 (MANE Select); coding-DNA position 3427, G replaced by A.
Protein change: p.Asp1143Asn; replaces aspartic acid 1143 with asparagine.
Molecular consequence: missense variant.
Genome position (GRCh38, 1-based): chr16:15,735,445, C>T on the plus strand (G>A on the coding strand, the complement: MYH11 is on the minus strand). VCF-style: chr16-15735445-C-T. GRCh37 (hg19) VCF-style: chr16-15829302-C-T.
Other names: c.3448G>A, p.Asp1150Asn (NM_001040113.2, NM_001040114.2); c.3427G>A, p.Asp1143Asn (NM_022844.3); short protein forms D1143N, D1150N.
Identifiers: ClinVar variation 1720079 (VCV001720079.6), dbSNP rs2506177053, ClinGen allele CA394861896.

ClinVar aggregate classification (germline): Uncertain significance. Review status: criteria provided, multiple submitters, no conflicts (2 of 4 stars). 2 submissions from 2 submitters: Uncertain significance (2). Last evaluated 2023-05-05.

Conditions:
Aortic aneurysm, familial thoracic 4 (AAT4). Also called: AORTIC ANEURYSM/AORTIC DISSECTION AND PATENT DUCTUS ARTERIOSUS. Identifiers: MedGen C1851504, MONDO:0007568, OMIM 132900.

Allele frequency attached by ClinVar (database versions not stated): gnomAD exomes below 0.00001.
gnomAD v4.1: 2 of 1,614,102 alleles (0.00012%); highest among the groups gnomAD compares: Non-Finnish European, 0.00017%; no homozygotes.

Submissions (2):

Blueprint Genetics
Classification: Uncertain significance. Last evaluated: 2023-05-05. Review status: criteria provided, single submitter. Criteria: ACMG Guidelines, 2015. Collection method: clinical testing. Allele origin: germline.

Labcorp Genetics (formerly Invitae), Labcorp
Classification: Uncertain significance for Aortic aneurysm, familial thoracic 4. Last evaluated: 2022-09-22. Review status: criteria provided, single submitter. Criteria: Invitae Variant Classification Sherloc (09022015). Collection method: clinical testing. Allele origin: germline.
Comment: This sequence change replaces aspartic acid, which is acidic and polar, with asparagine, which is neutral and polar, at codon 1150 of the MYH11 protein (p.Asp1150Asn). This variant is not present in population databases (gnomAD no frequency). This variant has not been reported in the literature in individuals affected with MYH11-related conditions. Advanced modeling of protein sequence and biophysical properties (such as structural, functional, and spatial information, amino acid conservation, physicochemical variation, residue mobility, and thermodynamic stability) performed at Invitae indicates that this missense variant is not expected to disrupt MYH11 protein function. In summary, the available evidence is currently insufficient to determine the role of this variant in disease. Therefore, it has been classified as a Variant of Uncertain Significance.